The following is an entry in ClinVar:

NM_178822.5(IGSF10):c.353G>A (p.Arg118Gln)

Gene: IGSF10 (immunoglobulin superfamily member 10; minus strand). Cytogenetic location: 3q25.1.
Variant type: single nucleotide variant.
Coding change: c.353G>A on transcript NM_178822.5 (MANE Select); coding-DNA position 353, G replaced by A.
Protein change: p.Arg118Gln; replaces arginine 118 with glutamine.
Molecular consequence: missense variant.
Genome position (GRCh38, 1-based): chr3:151,453,746, C>T on the plus strand (G>A on the coding strand, the complement: IGSF10 is on the minus strand). VCF-style: chr3-151453746-C-T. GRCh37 (hg19) VCF-style: chr3-151171534-C-T.
Other names: c.353G>A, p.Arg118Gln (NM_001385060.1, NM_001385061.1, NM_001385062.1 and 1 more transcripts); short protein forms R118Q.
Identifiers: ClinVar variation 736348 (VCV000736348.33), dbSNP rs147782448, ClinGen allele CA2670777.
Genomic context (GRCh38, chr3:151,453,746, plus strand): 5'-TGGTCCATGTGCAATCGTGTCAAGCTCCTGAGGCCATAAAAAGTATCTTTCTGAAGTTTT[C>T]GGACTTTATTATAGCTCATTTTTAAGACCTATGAATTAAAAAAAAGAACATATTTATGTT-3'
Protein context (NP_849144.2, residues 108-128): QVLKMSYNKV[Arg118Gln]KLQKDTFYGL

ClinVar aggregate classification (germline): Likely benign. Review status: criteria provided, multiple submitters, no conflicts (2 of 4 stars). 3 submissions from 3 submitters: Likely benign (2). 1 of the submissions does not count toward it. Last evaluated 2025-07-30.

Conditions:
IGSF10-related disorder. Also called: IGSF10-related condition.

Allele frequency attached by ClinVar (database versions not stated): gnomAD 0.00038; ESP Exome Variant Server 0.00046; TOPMed 0.00066; 1000 Genomes Project 30x 0.00172; 1000 Genomes Project 0.00200.
gnomAD v4.1: 1,317 of 1,575,504 alleles (0.084%); highest among the groups gnomAD compares: Middle Eastern, 0.34%; 4 homozygotes.

Submissions (3):

Labcorp Genetics (formerly Invitae), Labcorp
Classification: Likely benign. Last evaluated: 2025-07-30. Review status: criteria provided, single submitter. Criteria: Invitae Variant Classification Sherloc (09022015). Collection method: clinical testing. Allele origin: germline.

CeGaT Center for Human Genetics Tuebingen
Classification: Likely benign. Last evaluated: 2025-04-01. Review status: criteria provided, single submitter. Criteria: CeGaT Center For Human Genetics Tuebingen Variant Classification Criteria Version 2. Collection method: clinical testing. Allele origin: germline. Affected: yes. Observed: 2 variant alleles.
Comment: IGSF10: BP4

PreventionGenetics, part of Exact Sciences
Classification: Likely benign for IGSF10-related condition. Last evaluated: 2023-04-09. Review status: no assertion criteria provided. Collection method: clinical testing. Allele origin: germline. Not counted in ClinVar's aggregate classification.
Comment: This variant is classified as likely benign based on ACMG/AMP sequence variant interpretation guidelines (Richards et al. 2015 PMID: 25741868, with internal and published modifications).